The following is an entry in ClinVar:

NM_001184.4(ATR):c.6165C>A (p.Asp2055Glu)

Genes: ATR (ATR checkpoint kinase; minus strand), LOC126806830 (BRD4-independent group 4 enhancer GRCh37_chr3:142203676-142204875; plus strand). Cytogenetic location: 3q23.
Variant type: single nucleotide variant.
Coding change: c.6165C>A on transcript NM_001184.4 (MANE Select); coding-DNA position 6165, C replaced by A.
Protein change: p.Asp2055Glu; replaces aspartic acid 2055 with glutamic acid.
Molecular consequence: missense variant.
Genome position (GRCh38, 1-based): chr3:142,485,196, G>T on the plus strand (C>A on the coding strand, the complement: ATR is on the minus strand). VCF-style: chr3-142485196-G-T. GRCh37 (hg19) VCF-style: chr3-142204038-G-T.
Other names: c.5973C>A, p.Asp1991Glu (NM_001354579.2); short protein forms D1991E, D2055E.
Identifiers: ClinVar variation 4736282 (VCV004736282.1).

ClinVar aggregate classification (germline): Uncertain significance (1 of 4 stars; one submission).

Submission:

Labcorp Genetics (formerly Invitae), Labcorp
Classification: Uncertain significance. Last evaluated: 2026-01-27. Review status: criteria provided, single submitter. Criteria: Invitae Variant Classification Sherloc (09022015). Collection method: clinical testing. Allele origin: germline.
Comment: This sequence change replaces aspartic acid, which is acidic and polar, with glutamic acid, which is acidic and polar, at codon 2055 of the ATR protein (p.Asp2055Glu). This variant is not present in population databases (gnomAD no frequency). This variant has not been reported in the literature in individuals affected with ATR-related conditions. An algorithm developed to predict the effect of missense changes on protein structure and function (PolyPhen-2) suggests that this variant is likely to be tolerated. In summary, the available evidence is currently insufficient to determine the role of this variant in disease. Therefore, it has been classified as a Variant of Uncertain Significance.